The following is an entry in ClinVar:

NM_000751.3(CHRND):c.1319A>C (p.Asp440Ala)

Gene: CHRND (cholinergic receptor nicotinic delta subunit; plus strand). Cytogenetic location: 2q37.1.
Variant type: single nucleotide variant.
Coding change: c.1319A>C on transcript NM_000751.3 (MANE Select); coding-DNA position 1319, A replaced by C.
Protein change: p.Asp440Ala; replaces aspartic acid 440 with alanine.
Molecular consequence: missense variant.
Genome position (GRCh38, 1-based): chr2:232,534,290, A>C. VCF-style: chr2-232534290-A-C. GRCh37 (hg19) VCF-style: chr2-233399000-A-C.
Other names: c.1274A>C, p.Asp425Ala (NM_001256657.2); c.737A>C, p.Asp246Ala (NM_001311195.2); c.1016A>C, p.Asp339Ala (NM_001311196.2); short protein forms D440A, D246A, D339A, D425A.
Identifiers: ClinVar variation 3720694 (VCV003720694.2).

ClinVar aggregate classification (germline): Uncertain significance (1 of 4 stars; one submission).

Conditions:
Lethal multiple pterygium syndrome (LMPS). Identifiers: Orphanet 33108, MedGen C1854678, MONDO:0009668, OMIM 253290.

Submission:

Labcorp Genetics (formerly Invitae), Labcorp
Classification: Uncertain significance for Lethal multiple pterygium syndrome. Last evaluated: 2024-12-03. Review status: criteria provided, single submitter. Criteria: Invitae Variant Classification Sherloc (09022015). Collection method: clinical testing. Allele origin: germline.
Comment: This sequence change replaces aspartic acid, which is acidic and polar, with alanine, which is neutral and non-polar, at codon 440 of the CHRND protein (p.Asp440Ala). This variant is not present in population databases (gnomAD no frequency). This variant has not been reported in the literature in individuals affected with CHRND-related conditions. Invitae Evidence Modeling of protein sequence and biophysical properties (such as structural, functional, and spatial information, amino acid conservation, physicochemical variation, residue mobility, and thermodynamic stability) indicates that this missense variant is not expected to disrupt CHRND protein function with a negative predictive value of 95%. In summary, the available evidence is currently insufficient to determine the role of this variant in disease. Therefore, it has been classified as a Variant of Uncertain Significance.